The following is an entry in ClinVar:

ClinVar aggregate classification (germline): Likely benign. Review status: criteria provided, multiple submitters, no conflicts (2 of 4 stars). 4 submissions from 4 submitters: Likely benign (3). 1 of the submissions does not count toward it. Last evaluated 2025-03-31.

Conditions:
Usher syndrome type 1 (USH1). Also called: RETINITIS PIGMENTOSA AND CONGENITAL DEAFNESS. Identifiers: Orphanet 231169, Orphanet 886, MedGen C1568247, MONDO:0010168, OMIM 276900.

Allele frequency attached by ClinVar (database versions not stated): gnomAD 0.00003; ExAC 0.00010; TOPMed 0.00013; ESP Exome Variant Server 0.00024; 1000 Genomes Project 0.00040; 1000 Genomes Project 30x 0.00047.
gnomAD v4.1: 89 of 1,613,068 alleles (0.0055%); highest among the groups gnomAD compares: African/African-American, 0.015%; no homozygotes.

Submissions (4):

Labcorp Genetics (formerly Invitae), Labcorp
Classification: Likely benign. Last evaluated: 2025-03-31. Review status: criteria provided, single submitter. Criteria: Invitae Variant Classification Sherloc (09022015). Collection method: clinical testing. Allele origin: germline.

Blueprint Genetics
Classification: Likely benign. Last evaluated: 2023-09-15. Review status: criteria provided, single submitter. Criteria: ACMG Guidelines, 2015. Collection method: clinical testing. Allele origin: germline.

Laboratory for Molecular Medicine, Mass General Brigham Personalized Medicine
Classification: Likely benign. Last evaluated: 2012-04-30. Review status: criteria provided, single submitter. Criteria: LMM Criteria. Collection method: clinical testing. Allele origin: germline. Observed: 1 variant allele.
Comment: Asn1776Asn in Exon 41 of CDH23: This variant is not expected to have clinical si gnificance because it does not alter an amino acid residue, is not located withi n the splice consensus sequence, and has been identified in 1/3302 African Ameri can chromosomes from a broad population by the NHLBI Exome Sequencing Project.

Natera, Inc.
Classification: Uncertain significance for Usher syndrome type 1. Last evaluated: 2020-04-16. Review status: no assertion criteria provided. Collection method: clinical testing. Allele origin: germline. Not counted in ClinVar's aggregate classification.

NM_022124.6(CDH23):c.5328C>T (p.Asn1776=)

Gene: CDH23 (cadherin related 23; plus strand). Cytogenetic location: 10q22.1.
Variant type: single nucleotide variant.
Coding change: c.5328C>T on transcript NM_022124.6 (MANE Select); coding-DNA position 5328, C replaced by T.
Protein change: p.Asn1776=; no amino-acid change (asparagine 1776 retained).
Molecular consequence: synonymous variant.
Genome position (GRCh38, 1-based): chr10:71,779,407, C>T. VCF-style: chr10-71779407-C-T. GRCh37 (hg19) VCF-style: chr10-73539164-C-T.
Identifiers: ClinVar variation 666659 (VCV000666659.17), dbSNP rs371522191, ClinGen allele CA5545710.